The following is an entry in ClinVar:

ClinVar aggregate classification (germline): Uncertain significance. Review status: criteria provided, multiple submitters, no conflicts (2 of 4 stars). 2 submissions from 2 submitters: Uncertain significance (2). Last evaluated 2025-02-04.

Conditions:
Early Myoclonic Encephalopathy. Identifiers: MedGen C0270855.

Allele frequency attached by ClinVar (database versions not stated): gnomAD exomes 0.00001; gnomAD 0.00004; TOPMed 0.00001; ExAC 0.00001.
gnomAD v4.1: 11 of 1,614,026 alleles (0.00068%); highest among the groups gnomAD compares: African/African-American, 0.011%; no homozygotes.

Submissions (2):

Ambry Genetics
Classification: Uncertain significance. Last evaluated: 2025-02-04. Review status: criteria provided, single submitter. Criteria: Ambry Variant Classification Scheme 2023. Collection method: clinical testing. Allele origin: germline.

Labcorp Genetics (formerly Invitae), Labcorp
Classification: Uncertain significance for Early Myoclonic Encephalopathy. Last evaluated: 2023-03-04. Review status: criteria provided, single submitter. Criteria: Invitae Variant Classification Sherloc (09022015). Collection method: clinical testing. Allele origin: germline.
Comment: This variant is present in population databases (rs747348786, gnomAD 0.02%). In summary, the available evidence is currently insufficient to determine the role of this variant in disease. Therefore, it has been classified as a Variant of Uncertain Significance. An algorithm developed to predict the effect of missense changes on protein structure and function (PolyPhen-2) suggests that this variant is likely to be disruptive. This variant has not been reported in the literature in individuals affected with JMJD1C-related conditions. This sequence change replaces lysine, which is basic and polar, with glutamic acid, which is acidic and polar, at codon 102 of the JMJD1C protein (p.Lys102Glu).

NM_032776.3(JMJD1C):c.304A>G (p.Lys102Glu)

Gene: JMJD1C (jumonji domain containing 1C; minus strand). Cytogenetic location: 10q21.3.
Variant type: single nucleotide variant.
Coding change: c.304A>G on transcript NM_032776.3 (MANE Select); coding-DNA position 304, A replaced by G.
Protein change: p.Lys102Glu; replaces lysine 102 with glutamic acid.
Molecular consequence: missense variant. On other transcripts: 5 prime UTR variant (2).
Genome position (GRCh38, 1-based): chr10:63,380,347, T>C on the plus strand (A>G on the coding strand, the complement: JMJD1C is on the minus strand). VCF-style: chr10-63380347-T-C. GRCh37 (hg19) VCF-style: chr10-65140107-T-C.
Other names: c.-243A>G (NM_001318154.2); c.304A>G, p.Lys102Glu (NM_001322252.2); c.-248A>G (NM_001322258.2); c.304A>G (NM_032776.1); short protein forms K102E.
Identifiers: ClinVar variation 2955096 (VCV002955096.4), dbSNP rs747348786, ClinGen allele CA5519134.